The following is an entry in ClinVar:

ClinVar aggregate classification (germline): Conflicting classifications of pathogenicity. Review status: criteria provided, conflicting classifications (1 of 4 stars). 3 submissions from 3 submitters: Uncertain significance (2); Likely benign (1). Last evaluated 2025-08-25.

Allele frequency attached by ClinVar (database versions not stated): TOPMed below 0.00001; ExAC 0.00001; gnomAD exomes 0.00001; gnomAD 0.00003 and 0.00004.
gnomAD v4.1: 16 of 1,614,042 alleles (0.00099%); highest among the groups gnomAD compares: Admixed American, 0.0083%; no homozygotes.

Submissions (3):

Labcorp Genetics (formerly Invitae), Labcorp
Classification: Likely benign. Last evaluated: 2025-08-25. Review status: criteria provided, single submitter. Criteria: Invitae Variant Classification Sherloc (09022015). Collection method: clinical testing. Allele origin: germline.

Blueprint Genetics
Classification: Uncertain significance. Last evaluated: 2022-03-14. Review status: criteria provided, single submitter. Criteria: ACMG Guidelines, 2015. Collection method: clinical testing. Allele origin: germline.

GeneDx
Classification: Uncertain significance. Last evaluated: 2021-10-15. Review status: criteria provided, single submitter. Criteria: GeneDx Variant Classification Process June 2021. Collection method: clinical testing. Allele origin: germline. Affected: yes.
Comment: Reported in one patient with Stickler syndrome type I, however, the variant was also present in an unaffected parent (Barat-Houari M et al., 2016); Not observed at significant frequency in large population cohorts (Lek et al., 2016); In silico analysis supports that this missense variant does not alter protein structure/function; Occurs in the triple helical domain at the X position in the canonical Gly-X-Y repeat; although this variant may have an effect on normal protein folding and function, missense substitution at the X position is not a common mechanism of disease (Stenson et al., 2014); This variant is associated with the following publications: (PMID: 26626311)

NM_001844.5(COL2A1):c.1018G>A (p.Ala340Thr)

Gene: COL2A1 (collagen type II alpha 1 chain; minus strand). Cytogenetic location: 12q13.11.
Variant type: single nucleotide variant.
Coding change: c.1018G>A on transcript NM_001844.5 (MANE Select); coding-DNA position 1018, G replaced by A.
Protein change: p.Ala340Thr; replaces alanine 340 with threonine.
Molecular consequence: missense variant.
Genome position (GRCh38, 1-based): chr12:47,992,883, C>T on the plus strand (G>A on the coding strand, the complement: COL2A1 is on the minus strand). VCF-style: chr12-47992883-C-T. GRCh37 (hg19) VCF-style: chr12-48386666-C-T.
Other names: c.811G>A, p.Ala271Thr (NM_033150.3); short protein forms A271T, A340T.
Identifiers: ClinVar variation 1301501 (VCV001301501.6), dbSNP rs762355724, ClinGen allele CA6535663.